The following is an entry in ClinVar:

ClinVar aggregate classification (germline): Uncertain significance (1 of 4 stars; one submission).

Submission:

Labcorp Genetics (formerly Invitae), Labcorp
Classification: Uncertain significance. Last evaluated: 2025-06-14. Review status: criteria provided, single submitter. Criteria: Invitae Variant Classification Sherloc (09022015). Collection method: clinical testing. Allele origin: germline.
Comment: This sequence change replaces alanine, which is neutral and non-polar, with threonine, which is neutral and polar, at codon 218 of the POU3F4 protein (p.Ala218Thr). This variant is not present in population databases (gnomAD no frequency). This variant has not been reported in the literature in individuals affected with POU3F4-related conditions. Invitae Evidence Modeling of protein sequence and biophysical properties (such as structural, functional, and spatial information, amino acid conservation, physicochemical variation, residue mobility, and thermodynamic stability) indicates that this missense variant is expected to disrupt POU3F4 protein function with a positive predictive value of 80%. In summary, the available evidence is currently insufficient to determine the role of this variant in disease. Therefore, it has been classified as a Variant of Uncertain Significance.

NM_000307.5(POU3F4):c.652G>A (p.Ala218Thr)

Gene: POU3F4 (POU class 3 homeobox 4; plus strand). Cytogenetic location: Xq21.1.
Variant type: single nucleotide variant.
Coding change: c.652G>A on transcript NM_000307.5 (MANE Select); coding-DNA position 652, G replaced by A.
Protein change: p.Ala218Thr; replaces alanine 218 with threonine.
Molecular consequence: missense variant.
Genome position (GRCh38, 1-based): chrX:83,508,976, G>A. VCF-style: chrX-83508976-G-A. GRCh37 (hg19) VCF-style: chrX-82763984-G-A.
Other names: short protein forms A218T.
Identifiers: ClinVar variation 4730678 (VCV004730678.1).